The following is an entry in ClinVar:

ClinVar aggregate classification (germline): Uncertain significance. Review status: criteria provided, multiple submitters, no conflicts (2 of 4 stars). 4 submissions from 4 submitters: Uncertain significance (3). 1 of the submissions does not count toward it. Last evaluated 2025-05-30.

Conditions:
TRDN-related disorder. Also called: TRDN-related condition.
Catecholaminergic polymorphic ventricular tachycardia 1. Also called: RYR2-Related Catecholaminergic Polymorphic Ventricular Tachycardia; VENTRICULAR TACHYCARDIA, CATECHOLAMINERGIC POLYMORPHIC, 1, WITH OR WITHOUT ATRIAL DYSFUNCTION AND/OR DILATED CARDIOMYOPATHY; VENTRICULAR TACHYCARDIA, STRESS-INDUCED POLYMORPHIC 1. Identifiers: Orphanet 3286, MedGen C1631597, MONDO:0011484, OMIM 604772.
Catecholaminergic polymorphic ventricular tachycardia 5 (CARDAR). Also called: Ventricular tachycardia, catecholaminergic polymorphic, 5, with or without muscle weakness; CARDIAC ARRHYTHMIA SYNDROME, WITH OR WITHOUT SKELETAL MUSCLE WEAKNESS. Identifiers: Orphanet 3286, MedGen C3809536, MONDO:0014191, OMIM 615441.
Cardiovascular phenotype. Identifiers: MedGen CN230736.

Submissions (4):

Ambry Genetics
Classification: Uncertain significance for Cardiovascular phenotype. Last evaluated: 2025-05-30. Review status: criteria provided, single submitter. Criteria: Ambry Variant Classification Scheme 2023. Collection method: clinical testing. Allele origin: germline.
Comment: The c.1233_1234dupGA variant, located in coding exon 18 of the TRDN gene, results from a duplication of GA at nucleotide position 1233, causing a translational frameshift with a predicted alternate stop codon (p.K412Rfs*12). This alteration is expected to result in loss of function by premature protein truncation or nonsense-mediated mRNA decay. However, this alteration does not impact the predominant cardiac isoform ofTRDN(NM_001256021.1; Kobayashi YM et al. J. Biol. Chem., 1999 Oct;274:28660-8). Based on the available evidence, the clinical significance of this variant remains unclear.

PreventionGenetics, part of Exact Sciences
Classification: Uncertain significance for TRDN-related condition. Last evaluated: 2025-02-25. Review status: criteria provided, single submitter. Criteria: ACMG Guidelines, 2015. Collection method: clinical testing. Allele origin: germline.
Comment: The TRDN c.1233_1234dupGA variant is predicted to result in a frameshift and premature protein termination (p.Lys412Argfs*12). To our knowledge, this variant has not been reported in the literature. This variant is reported in 0.0083% of alleles in individuals of African descent in gnomAD. Although we suspect that this variant may be pathogenic, at this time, the clinical significance of this variant is uncertain due to the absence of conclusive functional and genetic evidence.

GeneDx
Classification: Uncertain significance. Last evaluated: 2022-05-25. Review status: criteria provided, single submitter. Criteria: GeneDx Variant Classification Process June 2021. Collection method: clinical testing. Allele origin: germline. Affected: yes.
Comment: Has not been previously published as pathogenic or benign to our knowledge; Not observed at significant frequency in large population cohorts (gnomAD); Frameshift variant predicted to result in protein truncation or nonsense mediated decay in a gene for which loss-of-function is not a known mechanism of disease

Fulgent Genetics
Classification: Likely pathogenic for Catecholaminergic polymorphic ventricular tachycardia 1; Catecholaminergic polymorphic ventricular tachycardia 5. Last evaluated: 2021-10-31. Review status: flagged submission. Criteria: ACMG Guidelines, 2015. Collection method: clinical testing. Allele origin: unknown. Not counted in ClinVar's aggregate classification.
ClinVar note: Notes: This variant occurs in exons 9-41 of the MANE Select NM_006073.4 transcript but no valid P/LP variants have been reported due to the predominant transcript in cardiac tissue being one with only 8 exons (NM_001256021.1). Please provide evidence to support this claim.
ClinVar note: Reason: Claim with insufficient supporting evidence

NM_006073.4(TRDN):c.1233_1234dup (p.Lys412fs)

Gene: TRDN (triadin; minus strand). Cytogenetic location: 6q22.31.
Variant type: Duplication.
Coding change: c.1233_1234dup on transcript NM_006073.4 (MANE Select); coding-DNA positions 1233 to 1234, 2 bases duplicated (GA; older notation c.1233_1234dupGA).
Protein change: p.Lys412fs; shifts the reading frame from lysine 412.
Molecular consequence: frameshift variant.
Genome position (GRCh38, 1-based): chr6:123,377,728-123,377,729, TC duplicated on the plus strand (GA on the coding strand, the reverse complement: TRDN is on the minus strand); duplicating any 2 consecutive bases within chr6:123,377,728-123,377,730 gives the same sequence; the c. name uses the placement nearest the transcript's 3' end. VCF-style (leftmost placement, unchanged base first): chr6-123377727-T-TTC. GRCh37 (hg19) VCF-style: chr6-123698872-T-TTC.
Other names: c.1233_1234dupGA (NM_006073.3, NM_006073.2); c.1236_1237dup, p.Lys413fs (NM_001251987.2); short protein forms K412fs, K413fs.
Identifiers: ClinVar variation 423208 (VCV000423208.6), dbSNP rs778198100, ClinGen allele CA3984052.